The following is an entry in ClinVar:

ClinVar aggregate classification (germline): Pathogenic. Review status: reviewed by expert panel (3 of 4 stars). 4 submissions from 4 submitters: Pathogenic (1). 3 of the submissions do not count toward it. Last evaluated 2016-10-18.

Conditions:
Hereditary cancer-predisposing syndrome. Also called: Hereditary Cancer Syndrome; Hereditary neoplastic syndrome; Neoplastic Syndromes, Hereditary; Tumor predisposition. Identifiers: Orphanet 140162, MedGen C0027672, MeSH D009386, MONDO:0015356.
Breast-ovarian cancer, familial, susceptibility to, 1 (BROVCA1). Also called: BRCA1 Hereditary Breast and Ovarian Cancer; OVARIAN CANCER, SUSCEPTIBILITY TO. Identifiers: Orphanet 145, MedGen C2676676, MONDO:0011450, OMIM 604370. Disease mechanism: loss of function.
Hereditary breast ovarian cancer syndrome. Also called: BRCA1- and BRCA2-Associated Hereditary Breast and Ovarian Cancer; Hereditary breast and ovarian cancer syndrome; Hereditary breast and ovarian cancer syndrome (HBOC); Breast and ovarian cancer; Hereditary breast and/or ovarian cancer syndrome; Hereditary breast and ovarian cancer. Identifiers: Orphanet 145, MedGen C0677776, MeSH D061325, MONDO:0003582. Disease mechanism: loss of function.

Submissions (4):

Evidence-based Network for the Interpretation of Germline Mutant Alleles (ENIGMA)
Classification: Pathogenic for Breast-ovarian cancer, familial, susceptibility to, 1. Last evaluated: 2016-10-18. Review status: reviewed by expert panel. Criteria: ENIGMA BRCA1/2 Classification Criteria (2015). Collection method: curation. Allele origin: germline.
Comment: Variant allele predicted to encode a truncated non-functional protein.

Ambry Genetics
Classification: Pathogenic for Hereditary cancer-predisposing syndrome. Last evaluated: 2017-11-01. Review status: criteria provided, single submitter. Criteria: Ambry Variant Classification Scheme 2023. Collection method: clinical testing. Allele origin: germline. Not counted in ClinVar's aggregate classification.
Comment: The c.5450_5451delAG pathogenic mutation, located in coding exon 21 of the BRCA1 gene, results from a deletion of two nucleotides at nucleotide positions 5450 to 5451, causing a translational frameshift with a predicted alternate stop codon (p.E1817Gfs*12). This mutation was previously identified in a breast and/or ovarian cancer family (Kroiss R et al. Hum. Mutat. 2005 Dec;26(6):583-9). In addition to the clinical information presented in the literature, this alteration is expected to result in loss of function by premature protein truncation. As such, this alteration is interpreted as a disease-causing mutation.

Consortium of Investigators of Modifiers of BRCA1/2 (CIMBA), c/o University of Cambridge
Classification: Pathogenic for Breast-ovarian cancer, familial, susceptibility to, 1. Last evaluated: 2015-10-02. Review status: criteria provided, single submitter. Criteria: CIMBA Mutation Classification guidelines May 2016. Collection method: clinical testing. Allele origin: germline. Not counted in ClinVar's aggregate classification.

Research Molecular Genetics Laboratory, Women's College Hospital, University of Toronto
Classification: Pathogenic for Hereditary breast ovarian cancer syndrome. Last evaluated: 2014-01-31. Review status: no assertion criteria provided. Collection method: research. Allele origin: germline. Affected: yes. Study: The Canadian Open Genetics Repository (COGR). Not counted in ClinVar's aggregate classification.

Literature cited by the submitters: PubMed 16287141 (cited by Ambry Genetics).

NM_007294.4(BRCA1):c.5450_5451del (p.Glu1817fs)

Gene: BRCA1 (BRCA1 DNA repair associated; minus strand). Cytogenetic location: 17q21.31.
Variant type: Microsatellite.
Coding change: c.5450_5451del on transcript NM_007294.4 (MANE Select); coding-DNA positions 5450 to 5451, 2 bases deleted (AG; older notation c.5450_5451delAG).
Protein change: p.Glu1817fs; shifts the reading frame from glutamic acid 1817.
Molecular consequence: frameshift variant. On other transcripts: non-coding transcript variant (1).
Genome position (GRCh38, 1-based): chr17:43,047,659-43,047,660, CT deleted on the plus strand (AG on the coding strand, the reverse complement: BRCA1 is on the minus strand); deleting any 2 consecutive bases within chr17:43,047,659-43,047,662 gives the same sequence; the c. name uses the placement nearest the transcript's 3' end. VCF-style (leftmost placement, unchanged base first): chr17-43047658-CCT-C. GRCh37 (hg19) VCF-style: chr17-41199675-CCT-C.
Other names: 5569delAG; c.5450_5451delAG (NM_007294.3); c.2004_2005AG[1], p.Glu669Glyfs (NM_001408451.1); c.1998_1999AG[1], p.Glu667Glyfs (NM_001408452.1, NM_001408453.1, NM_001408454.1 and 3 more transcripts); c.1995_1996AG[1], p.Glu666Glyfs (NM_001408458.1, NM_001408459.1, NM_001408460.1 and 7 more transcripts); c.1992_1993AG[1], p.Glu665Glyfs (NM_001408468.1, NM_001408469.1, NM_001408470.1); c.2062_2063AG[1], p.Gly689Thrfs (NM_001408472.1); c.2059_2060AG[1], p.Gly688Thrfs (NM_001408473.1); and 88 more; short protein forms E1770fs, E1817fs, G689fs, E1838fs, E713fs.
Identifiers: ClinVar variation 55584 (VCV000055584.11), dbSNP rs397509286, ClinGen allele CA003603.